The following is an entry in ClinVar:

ClinVar aggregate classification (germline): Uncertain significance. Review status: criteria provided, multiple submitters, no conflicts (2 of 4 stars). 9 submissions from 9 submitters: Uncertain significance (8). 1 of the submissions does not count toward it. Last evaluated 2026-02-19.

Conditions:
NPC1-related disorder. Also called: NPC1-related condition.
Inborn genetic diseases. Identifiers: MedGen C0950123, MeSH D030342.
Niemann-Pick disease, type C1. Also called: NEUROVISCERAL STORAGE DISEASE WITH VERTICAL SUPRANUCLEAR OPHTHALMOPLEGIA; NIEMANN-PICK DISEASE WITH CHOLESTEROL ESTERIFICATION BLOCK; NIEMANN-PICK DISEASE WITHOUT SPHINGOMYELINASE DEFICIENCY; NIEMANN-PICK DISEASE, CHRONIC NEURONOPATHIC FORM; NIEMANN-PICK DISEASE, VARIANT TYPE C1. Identifiers: Orphanet 646, MedGen C3179455, MONDO:0009757, OMIM 257220.

Allele frequency attached by ClinVar (database versions not stated): gnomAD 0.00004; ExAC 0.00006; ESP Exome Variant Server 0.00008; TOPMed 0.00003.
gnomAD v4.1: 73 of 1,614,102 alleles (0.0045%); highest among the groups gnomAD compares: South Asian, 0.013%; no homozygotes.

Submissions (10):

PreventionGenetics, part of Exact Sciences
Classification: Uncertain significance for NPC1-related condition. Last evaluated: 2026-02-19. Review status: criteria provided, single submitter. Criteria: ACMG Guidelines, 2015. Collection method: clinical testing. Allele origin: germline.
Comment: The NPC1 c.1115G>A variant is predicted to result in the amino acid substitution p.Arg372Gln. To our knowledge, this variant has not been reported in the literature in individuals with NPC1-related disease. This variant is reported in 0.013% of alleles in individuals of South Asian descent in gnomAD. At this time, the clinical significance of this variant is uncertain due to the absence of conclusive functional and genetic evidence.

GeneDx
Classification: Uncertain significance. Last evaluated: 2025-04-11. Review status: criteria provided, single submitter. Criteria: GeneDx Variant Classification Process June 2021. Collection method: clinical testing. Allele origin: germline. Affected: yes.
Comment: Not observed at significant frequency in large population cohorts (gnomAD); In silico analysis indicates that this missense variant does not alter protein structure/function; Has not been previously published as pathogenic or benign to our knowledge; This variant is associated with the following publications: (PMID: 25764212)

Blueprint Genetics
Classification: Uncertain significance. Last evaluated: 2024-11-01. Review status: criteria provided, single submitter. Criteria: ACMG Guidelines, 2015. Collection method: clinical testing. Allele origin: germline.

Labcorp Genetics (formerly Invitae), Labcorp
Classification: Uncertain significance for Niemann-Pick disease, type C1. Last evaluated: 2022-08-23. Review status: criteria provided, single submitter. Criteria: Invitae Variant Classification Sherloc (09022015). Collection method: clinical testing. Allele origin: germline.
Comment: This sequence change replaces arginine, which is basic and polar, with glutamine, which is neutral and polar, at codon 372 of the NPC1 protein (p.Arg372Gln). This variant is present in population databases (rs150053420, gnomAD 0.01%). This variant has not been reported in the literature in individuals affected with NPC1-related conditions. ClinVar contains an entry for this variant (Variation ID: 235775). Advanced modeling of protein sequence and biophysical properties (such as structural, functional, and spatial information, amino acid conservation, physicochemical variation, residue mobility, and thermodynamic stability) performed at Invitae indicates that this missense variant is not expected to disrupt NPC1 protein function. Algorithms developed to predict the effect of sequence changes on RNA splicing suggest that this variant may create or strengthen a splice site. In summary, the available evidence is currently insufficient to determine the role of this variant in disease. Therefore, it has been classified as a Variant of Uncertain Significance.

Ambry Genetics
Classification: Uncertain significance for Inborn genetic diseases. Last evaluated: 2022-01-12. Review status: criteria provided, single submitter. Criteria: Ambry Variant Classification Scheme 2023. Collection method: clinical testing. Allele origin: germline.

Victorian Clinical Genetics Services, Murdoch Childrens Research Institute
Classification: Uncertain significance for Niemann-Pick disease, type C1. Last evaluated: 2020-10-19. Review status: criteria provided, single submitter. Criteria: ACMG Guidelines, 2015. Collection method: clinical testing. Allele origin: germline. Inheritance: Autosomal recessive inheritance.
Comment: Based on the classification scheme VCGS_Germline_v1.3.3, this variant is classified as VUS-3C. Following criteria are met: 0102 - Loss of function is a known mechanism of disease in this gene and is associated with Niemann-Pick disease, type C1 and Niemann-Pick disease, type D (MIM#257220). (I) 0106 - This gene is associated with autosomal recessive disease. (I) 0200 - Variant is predicted to result in a missense amino acid change from arginine to glutamine. (I) 0251 - This variant is heterozygous. (I) 0304 - Variant is present in gnomAD (v2) <0.01 for a recessive condition (7 heterozygotes, 0 homozygotes). (SP) 0309 - An alternative amino acid change at the same position has been observed in gnomAD (v2) (4 heterozygotes, 0 homozygotes). (I) 0503 - Missense variant consistently predicted to be tolerated by multiple in silico tools or not conserved in placental mammals with a minor amino acid change. (SB) 0604 - Variant is not located in an established domain, motif, hotspot or informative constraint region. (I) 0705 - No comparable missense variants have previous evidence for pathogenicity. However, an alternative change with a stronger Grantham change (p.Arg372Trp) has been reported in several patients with Neimann-Pickmann disease (PMID: 16098014, PMID: 30820861). (I) 0809 - Previous evidence of pathogenicity for this variant is inconclusive. This variant has been reported as a VUS and been reviewed in several publications using in silico tools (ClinVar, PMID: 25764212, PMID: 30019023). (I) 0905 - No published segregation evidence has been identified for this variant. (I) 1007 - No published functional evidence has been identified for this variant. (I) 1208 - Inheritance information for this variant is not currently available in this individual. (I) Legend: (SP) - Supporting pathogenic, (I) - Information, (SB) - Supporting benign

Eurofins Ntd Llc (ga)
Classification: Uncertain significance. Last evaluated: 2018-06-29. Review status: criteria provided, single submitter. Criteria: EGL ClinVar v180209 classification definitions. Collection method: clinical testing. Allele origin: germline. Observed: 1 variant allele, 1 heterozygote.

Center for Pediatric Genomic Medicine, Children's Mercy Hospital and Clinics
Classification: Uncertain significance. Last evaluated: 2015-06-02. Review status: criteria provided, single submitter. Criteria: ACMG Guidelines, 2015. Collection method: clinical testing. Allele origin: germline.
ClinVar note: Converted during submission from Uncertain Significance to Uncertain significance.

Natera, Inc.
Classification: Uncertain significance for Niemann-Pick disease type C1. Last evaluated: 2020-09-16. Review status: no assertion criteria provided. Collection method: clinical testing. Allele origin: germline. Not counted in ClinVar's aggregate classification.

Dr. Peter K. Rogan Lab, Western University
No classification provided (evidence only). Condition: Cervical cancer. Review status: no classification provided. Collection method: in vitro. Allele origin: not applicable. Functional consequence: retained intron. Not counted in ClinVar's aggregate classification.

Literature cited by the submitters: PubMed 16098014 (cited by Victorian Clinical Genetics Services, Murdoch Childrens Research Institute); PubMed 25764212 (cited by Victorian Clinical Genetics Services, Murdoch Childrens Research Institute); PubMed 30019023 (cited by Victorian Clinical Genetics Services, Murdoch Childrens Research Institute); PubMed 30820861 (cited by Victorian Clinical Genetics Services, Murdoch Childrens Research Institute).

NM_000271.5(NPC1):c.1115G>A (p.Arg372Gln)

Gene: NPC1 (NPC intracellular cholesterol transporter 1; minus strand). Cytogenetic location: 18q11.2.
Variant type: single nucleotide variant.
Coding change: c.1115G>A on transcript NM_000271.5 (MANE Select); coding-DNA position 1115, G replaced by A.
Protein change: p.Arg372Gln; replaces arginine 372 with glutamine.
Molecular consequence: missense variant.
Genome position (GRCh38, 1-based): chr18:23,556,454, C>T on the plus strand (G>A on the coding strand, the complement: NPC1 is on the minus strand). VCF-style: chr18-23556454-C-T. GRCh37 (hg19) VCF-style: chr18-21136418-C-T.
Other names: short protein forms R372Q.
Identifiers: ClinVar variation 235775 (VCV000235775.18), dbSNP rs150053420, ClinGen allele CA8913533.
Genomic context (GRCh38, chr18:23,556,454, plus strand): 5'-TTTTCCAGGCGAGCCTGGCTGCTGGGGGCTGACCAGAGGTCAACTGGATTGGTTGTGACC[C>T]GGACAAACACCAGGCCTGACGAACACGCAGTAATGAAGACCAGCGAGAAGAAAATGACAC-3'
Protein context (NP_000262.2, residues 362-382): TACSSGLVFV[Arg372Gln]VTTNPVDLWS